The following is an entry in ClinVar:

NM_005138.3(SCO2):c.456A>T (p.Glu152Asp)

Genes: NCAPH2 (non-SMC condensin II complex subunit H2; plus strand), SCO2 (synthesis of cytochrome C oxidase 2; minus strand). Cytogenetic location: 22q13.33.
Variant type: single nucleotide variant.
Coding change: c.456A>T on transcript NM_005138.3 (MANE Select); coding-DNA position 456, A replaced by T.
Protein change: p.Glu152Asp; replaces glutamic acid 152 with aspartic acid.
Molecular consequence: missense variant. On other transcripts: 3 prime UTR variant (2).
Genome position (GRCh38, 1-based): chr22:50,523,956, T>A on the plus strand (A>T on the coding strand, the complement: SCO2 is on the minus strand). VCF-style: chr22-50523956-T-A. GRCh37 (hg19) VCF-style: chr22-50962385-T-A.
Other names: c.*581T>A (NM_152299.4, NM_001185011.2); c.456A>T, p.Glu152Asp (NM_001169109.2, NM_001169110.1, NM_001169111.2); short protein forms E152D.
Identifiers: ClinVar variation 706220 (VCV000706220.13), dbSNP rs536037216, ClinGen allele CA10321202.
Genomic context (GRCh38, chr22:50,523,956, plus strand): 5'-GTCCCGCTCGGGGTCCACAGTGATGAAGACAGGCTGCACTGGAGGCAAACCAGGCTCTGC[T>A]TCCAGCTGCCGCACCACCTGCACCAGCTTCTCCAGCTCGTCTGGGCAGATGTCAGGGCAG-3'
Protein context (NP_005129.2, residues 142-162): EKLVQVVRQL[Glu152Asp]AEPGLPPVQP

ClinVar aggregate classification (germline): Benign/Likely benign. Review status: criteria provided, multiple submitters, no conflicts (2 of 4 stars). 4 submissions from 4 submitters: Benign (1); Likely benign (3). Last evaluated 2026-05-01.

Conditions:
SCO2-related disorder. Also called: SCO2-related condition.

Allele frequency attached by ClinVar (database versions not stated): gnomAD 0.00001 and 0.00011; TOPMed 0.00002; ExAC 0.00053; 1000 Genomes Project 0.00160; 1000 Genomes Project 30x 0.00203.
gnomAD v4.1: 318 of 1,612,434 alleles (0.02%); highest among the groups gnomAD compares: South Asian, 0.33%; 2 homozygotes.

Submissions (4):

CeGaT Center for Human Genetics Tuebingen
Classification: Likely benign. Last evaluated: 2026-05-01. Review status: criteria provided, single submitter. Criteria: CeGaT Center For Human Genetics Tuebingen Variant Classification Criteria Version 2. Collection method: clinical testing. Allele origin: germline. Affected: yes. Observed: 2 variant alleles.
Comment: SCO2: BP4

PreventionGenetics, part of Exact Sciences
Classification: Likely benign for SCO2-related condition. Last evaluated: 2026-03-06. Review status: criteria provided, single submitter. Criteria: ACMG Guidelines, 2015. Collection method: clinical testing. Allele origin: germline.
Comment: This variant is classified as likely benign based on ACMG/AMP sequence variant interpretation guidelines (Richards et al. 2015 PMID: 25741868, with internal and published modifications).

Labcorp Genetics (formerly Invitae), Labcorp
Classification: Benign. Last evaluated: 2026-01-21. Review status: criteria provided, single submitter. Criteria: Invitae Variant Classification Sherloc (09022015). Collection method: clinical testing. Allele origin: germline.

Blueprint Genetics
Classification: Likely benign. Last evaluated: 2024-05-23. Review status: criteria provided, single submitter. Criteria: ACMG Guidelines, 2015. Collection method: clinical testing. Allele origin: germline.